The following is an entry in ClinVar:

NM_004370.6(COL12A1):c.8746A>G (p.Ile2916Val)

Gene: COL12A1 (collagen type XII alpha 1 chain; minus strand). Cytogenetic location: 6q13.
Variant type: single nucleotide variant.
Coding change: c.8746A>G on transcript NM_004370.6 (MANE Select); coding-DNA position 8746, A replaced by G.
Protein change: p.Ile2916Val; replaces isoleucine 2916 with valine.
Molecular consequence: missense variant.
Genome position (GRCh38, 1-based): chr6:75,091,329, T>C on the plus strand (A>G on the coding strand, the complement: COL12A1 is on the minus strand). VCF-style: chr6-75091329-T-C. GRCh37 (hg19) VCF-style: chr6-75801045-T-C.
Other names: c.5254A>G, p.Ile1752Val (NM_080645.3); short protein forms I1752V, I2916V.
Identifiers: ClinVar variation 1676026 (VCV001676026.34), dbSNP rs2149328494, ClinGen allele CA364735730.

ClinVar aggregate classification (germline): Uncertain significance. Review status: criteria provided, multiple submitters, no conflicts (2 of 4 stars). 2 submissions from 2 submitters: Uncertain significance (2). Last evaluated 2025-03-06.

Conditions:
Ullrich congenital muscular dystrophy 2 (UCMD2). Identifiers: Orphanet 75840, MedGen C4225314, MONDO:0014654, OMIM 616470.
Bethlem myopathy 2 (BTHLM2). Identifiers: Orphanet 536516, Orphanet 610, MedGen C4225313, MONDO:0034022, OMIM 616471.

Submissions (2):

Labcorp Genetics (formerly Invitae), Labcorp
Classification: Uncertain significance for Bethlem myopathy 2; Ullrich congenital muscular dystrophy 2. Last evaluated: 2025-03-06. Review status: criteria provided, single submitter. Criteria: Invitae Variant Classification Sherloc (09022015). Collection method: clinical testing. Allele origin: germline.
Comment: This sequence change replaces isoleucine, which is neutral and non-polar, with valine, which is neutral and non-polar, at codon 2916 of the COL12A1 protein (p.Ile2916Val). This variant is not present in population databases (gnomAD no frequency). This variant has not been reported in the literature in individuals affected with COL12A1-related conditions. ClinVar contains an entry for this variant (Variation ID: 1676026). An algorithm developed to predict the effect of missense changes on protein structure and function (PolyPhen-2) suggests that this variant is likely to be disruptive. Algorithms developed to predict the effect of sequence changes on RNA splicing suggest that this variant may disrupt the consensus splice site. In summary, the available evidence is currently insufficient to determine the role of this variant in disease. Therefore, it has been classified as a Variant of Uncertain Significance.

CeGaT Center for Human Genetics Tuebingen
Classification: Uncertain significance. Last evaluated: 2022-03-01. Review status: criteria provided, single submitter. Criteria: CeGaT Center For Human Genetics Tuebingen Variant Classification Criteria Version 2. Collection method: clinical testing. Allele origin: germline. Affected: yes. Observed: 1 variant allele.
Comment: COL12A1: PM2, PP3, PS2:Supporting